The following is an entry in ClinVar:

ClinVar aggregate classification (germline): Uncertain significance (1 of 4 stars; one submission).

Submission:

GeneDx
Classification: Uncertain significance. Last evaluated: 2024-07-11. Review status: criteria provided, single submitter. Criteria: GeneDx Variant Classification Process June 2021. Collection method: clinical testing. Allele origin: germline. Affected: yes.
Comment: Not observed at significant frequency in large population cohorts (gnomAD); In silico analysis indicates that this missense variant does not alter protein structure/function; In silico analysis suggests this variant may impact gene splicing. In the absence of RNA/functional studies, the actual effect of this sequence change is unknown; Has not been previously published as pathogenic or benign to our knowledge

NM_006618.5(KDM5B):c.2764G>A (p.Glu922Lys)

Gene: KDM5B (lysine demethylase 5B; minus strand). Cytogenetic location: 1q32.1.
Variant type: single nucleotide variant.
Coding change: c.2764G>A on transcript NM_006618.5 (MANE Select); coding-DNA position 2764, G replaced by A.
Protein change: p.Glu922Lys; replaces glutamic acid 922 with lysine.
Molecular consequence: missense variant.
Genome position (GRCh38, 1-based): chr1:202,741,548, C>T on the plus strand (G>A on the coding strand, the complement: KDM5B is on the minus strand). VCF-style: chr1-202741548-C-T. GRCh37 (hg19) VCF-style: chr1-202710676-C-T.
Other names: c.2872G>A, p.Glu958Lys (NM_001314042.2); c.2629G>A, p.Glu877Lys (NM_001347591.2); c.2749G>A, p.Glu917Lys (NM_001399817.1); short protein forms E877K, E922K, E958K, E917K.
Identifiers: ClinVar variation 1311990 (VCV001311990.4), dbSNP rs2102233289, ClinGen allele CA344264984.
Genomic context (GRCh38, chr1:202,741,548, plus strand): 5'-TGAGACGTCTCATATCATCTAAAGTAAGGGAGCTGGGGTCTAGGCAAGCTTGCTGCACCT[C>T]TTCTAGCCAACGGGCTTGTTCCAAACGGATACGCATCTCAGCAAGCTGTGGAAGTTCAAC-3'
Protein context (NP_006609.3, residues 912-932): IRLEQARWLE[Glu922Lys]VQQACLDPSS